The following is an entry in ClinVar:

ClinVar aggregate classification (germline): Pathogenic. Review status: criteria provided, single submitter (1 of 4 stars). 2 submissions from 2 submitters: Pathogenic (1). 1 of the submissions does not count toward it. Last evaluated 2015-11-15.

Conditions:
Spondylocostal dysostosis 5 (SCDO5). Also called: SCOLIOSIS, CONGENITAL, WITH OR WITHOUT RIB ANOMALIES. Identifiers: MedGen C4083048, MONDO:0007389, OMIM 122600.

Submissions (2):

Lupski Lab, Baylor-Hopkins CMG, Baylor College of Medicine
Classification: Pathogenic for Spondylocostal dysostosis 5. Last evaluated: 2015-11-15. Review status: criteria provided, single submitter. Criteria: Wu et al. (N Engl J Med. 2015). Collection method: research. Allele origin: germline. Inheritance: Other. Affected: yes. Observed: 1 variant allele, 1 compound heterozygote.
Comment: The variant was found to be in trans with a high-risk TBX6 haplotype, T-C-A (rs2289292, rs3809624, rs3809627).

OMIM
Classification: Pathogenic for SPONDYLOCOSTAL DYSOSTOSIS 5. Last evaluated: 2015-01-22. Review status: no assertion criteria provided. Collection method: literature only. Allele origin: germline. Not counted in ClinVar's aggregate classification.

Literature cited by the submitters: PubMed 23335591 (cited by Lupski Lab, Baylor-Hopkins CMG, Baylor College of Medicine); PubMed 25564734 (cited by OMIM).

NM_004608.4(TBX6):c.266dup (p.Val91fs)

Gene: TBX6 (T-box transcription factor 6; minus strand). Cytogenetic location: 16p11.2.
Variant type: Duplication.
Coding change: c.266dup on transcript NM_004608.4 (MANE Select); coding-DNA position 266, one base duplicated (C; older notation c.266dupC).
Protein change: p.Val91fs; shifts the reading frame from valine 91.
Molecular consequence: frameshift variant.
Genome position (GRCh38, 1-based): chr16:30,090,845, G duplicated on the plus strand (C on the coding strand, the reverse complement: TBX6 is on the minus strand); the first of 3 consecutive G bases (chr16:30,090,845-30,090,847); duplicating any one gives the same sequence. VCF-style (leftmost placement, unchanged base first): chr16-30090844-C-CG. GRCh37 (hg19) VCF-style: chr16-30102165-C-CG.
Other names: c.266dupC (NM_004608.3); short protein forms V91fs.
Identifiers: ClinVar variation 188055 (VCV000188055.2), dbSNP rs786204040, ClinGen allele CA198673.